The following is an entry in ClinVar:

ClinVar aggregate classification (germline): Conflicting classifications of pathogenicity. Review status: criteria provided, conflicting classifications (1 of 4 stars). 3 submissions from 3 submitters: Uncertain significance (1); Benign (1); Likely benign (1). Last evaluated 2025-06-22.

Conditions:
PAX6-related disorder. Also called: PAX6-related disorders; PAX6-related condition.
Aniridia 1 (AN1). Identifiers: Orphanet 250923, MedGen C0344542, MONDO:0024507, OMIM 106210.
Irido-corneo-trabecular dysgenesis (ASGD5). Also called: ANTERIOR SEGMENT DYSGENESIS 5. Identifiers: Orphanet 708, MedGen C0344559, MONDO:0011414, OMIM 604229, HP:0000659.

Allele frequency attached by ClinVar (database versions not stated): gnomAD 0.00003 and 0.00006; TOPMed 0.00003; 1000 Genomes Project 30x 0.00016; 1000 Genomes Project 0.00020; ExAC 0.00026.
gnomAD v4.1: 184 of 1,613,832 alleles (0.011%); highest among the groups gnomAD compares: South Asian, 0.14%; 2 homozygotes.

Submissions (3):

Labcorp Genetics (formerly Invitae), Labcorp
Classification: Benign for Aniridia 1; Irido-corneo-trabecular dysgenesis. Last evaluated: 2025-06-22. Review status: criteria provided, single submitter. Criteria: Invitae Variant Classification Sherloc (09022015). Collection method: clinical testing. Allele origin: germline.

PreventionGenetics, part of Exact Sciences
Classification: Likely benign for PAX6-related condition. Last evaluated: 2024-11-09. Review status: criteria provided, single submitter. Criteria: ACMG Guidelines, 2015. Collection method: clinical testing. Allele origin: germline.
Comment: This variant is classified as likely benign based on ACMG/AMP sequence variant interpretation guidelines (Richards et al. 2015 PMID: 25741868, with internal and published modifications).

Mendelics
Classification: Uncertain significance. Last evaluated: 2022-05-04. Review status: criteria provided, single submitter. Criteria: Mendelics Assertion Criteria 2019. Collection method: clinical testing. Allele origin: germline.

NM_001368894.2(PAX6):c.1166C>A (p.Pro389Gln)

Gene: PAX6 (paired box 6; minus strand). Cytogenetic location: 11p13.
Variant type: single nucleotide variant.
Coding change: c.1166C>A on transcript NM_001368894.2 (MANE Select); coding-DNA position 1166, C replaced by A.
Protein change: p.Pro389Gln; replaces proline 389 with glutamine.
Molecular consequence: missense variant. On other transcripts: non-coding transcript variant (1), intron variant (9).
Genome position (GRCh38, 1-based): chr11:31,790,769, G>T on the plus strand (C>A on the coding strand, the complement: PAX6 is on the minus strand). VCF-style: chr11-31790769-G-T. GRCh37 (hg19) VCF-style: chr11-31812317-G-T.
Other names: c.1124C>A, p.Pro375Gln (NM_001368889.2, NM_001368890.2, NM_001368891.2 and 6 more transcripts); c.1166C>A, p.Pro389Gln (NM_001368892.2, NM_001368893.2, NM_001258462.3 and 3 more transcripts); c.716C>A, p.Pro239Gln (NM_001368899.2, NM_001368900.2, NM_001368901.2 and 10 more transcripts); c.1241C>A, p.Pro414Gln (NM_001368919.2, NM_001368918.2); c.1199C>A, p.Pro400Gln (NM_001368920.2); c.965C>A, p.Pro322Gln (NM_001368922.2, NM_001368923.2, NM_001368924.2 and 3 more transcripts); c.923C>A, p.Pro308Gln (NM_001368928.2); c.1166C>A (NM_001604.5); and 7 more; short protein forms P174Q, P239Q, P308Q, P322Q, P375Q, P389Q, P400Q, P414Q.
Identifiers: ClinVar variation 1684987 (VCV001684987.7), dbSNP rs200015827, ClinGen allele CA5933676.